The following is an entry in ClinVar:

ClinVar aggregate classification (germline): Uncertain significance. Review status: criteria provided, multiple submitters, no conflicts (2 of 4 stars). 2 submissions from 2 submitters: Uncertain significance (2). Last evaluated 2025-10-03.

Conditions:
SLIT2-related disorder. Also called: SLIT2-related condition.

Allele frequency attached by ClinVar (database versions not stated): gnomAD 0.00003; gnomAD exomes 0.00005; TOPMed 0.00005; ExAC 0.00012.
gnomAD v4.1: 85 of 1,613,944 alleles (0.0053%); highest among the groups gnomAD compares: Middle Eastern, 0.049%; 1 homozygote.

Submissions (2):

Labcorp Genetics (formerly Invitae), Labcorp
Classification: Uncertain significance. Last evaluated: 2025-10-03. Review status: criteria provided, single submitter. Criteria: Invitae Variant Classification Sherloc (09022015). Collection method: clinical testing. Allele origin: germline.
Comment: This sequence change replaces tyrosine, which is neutral and polar, with cysteine, which is neutral and slightly polar, at codon 1211 of the SLIT2 protein (p.Tyr1211Cys). This variant is present in population databases (rs764943868, gnomAD 0.05%). This variant has not been reported in the literature in individuals affected with SLIT2-related conditions. ClinVar contains an entry for this variant (Variation ID: 2416496). An algorithm developed to predict the effect of missense changes on protein structure and function (PolyPhen-2) suggests that this variant is likely to be disruptive. In summary, the available evidence is currently insufficient to determine the role of this variant in disease. Therefore, it has been classified as a Variant of Uncertain Significance.

PreventionGenetics, part of Exact Sciences
Classification: Uncertain significance for SLIT2-related condition. Last evaluated: 2025-09-16. Review status: criteria provided, single submitter. Criteria: ACMG Guidelines, 2015. Collection method: clinical testing. Allele origin: germline.
Comment: The SLIT2 c.3632A>G variant is predicted to result in the amino acid substitution p.Tyr1211Cys. To our knowledge, this variant has not been reported in the literature in individuals with SLIT2-related disorders. This variant is reported in 0.046% of alleles in individuals of South Asian descent in gnomAD. At this time, the clinical significance of this variant is uncertain due to the absence of conclusive functional and genetic evidence.

NM_004787.4(SLIT2):c.3632A>G (p.Tyr1211Cys)

Gene: SLIT2 (slit guidance ligand 2; plus strand). Cytogenetic location: 4p15.31.
Variant type: single nucleotide variant.
Coding change: c.3632A>G on transcript NM_004787.4 (MANE Select); coding-DNA position 3632, A replaced by G.
Protein change: p.Tyr1211Cys; replaces tyrosine 1211 with cysteine.
Molecular consequence: missense variant.
Genome position (GRCh38, 1-based): chr4:20,598,335, A>G. VCF-style: chr4-20598335-A-G. GRCh37 (hg19) VCF-style: chr4-20599958-A-G.
Other names: c.3632A>G (NM_004787.3); c.3620A>G, p.Tyr1207Cys (NM_001289135.3); c.3608A>G, p.Tyr1203Cys (NM_001289136.3); short protein forms Y1203C, Y1207C, Y1211C.
Identifiers: ClinVar variation 2416496 (VCV002416496.7), dbSNP rs764943868, ClinGen allele CA2872227.